The following is an entry in ClinVar:

ClinVar aggregate classification (germline): Likely benign (1 of 4 stars; one submission).

Conditions:
MRAP2-related disorder. Also called: MRAP2-related condition.

Submission:

PreventionGenetics, part of Exact Sciences
Classification: Likely benign for MRAP2-related condition. Last evaluated: 2024-11-15. Review status: criteria provided, single submitter. Criteria: ACMG Guidelines, 2015. Collection method: clinical testing. Allele origin: germline.
Comment: This variant is classified as likely benign based on ACMG/AMP sequence variant interpretation guidelines (Richards et al. 2015 PMID: 25741868, with internal and published modifications).

NM_138409.4(MRAP2):c.228-6A>C

Gene: MRAP2 (melanocortin 2 receptor accessory protein 2; plus strand). Cytogenetic location: 6q14.2.
Variant type: single nucleotide variant.
Coding change: c.228-6A>C on transcript NM_138409.4 (MANE Select); 6 bases into the intron before coding-DNA position 228, A replaced by C.
Molecular consequence: intron variant.
Genome position (GRCh38, 1-based): chr6:84,089,085, A>C. VCF-style: chr6-84089085-A-C. GRCh37 (hg19) VCF-style: chr6-84798804-A-C.
Other names: c.228-6A>C (NM_001346542.2, NM_001346544.2); c.63-6A>C (NM_001346543.2); c.-31-6A>C (NM_001346541.2).
Identifiers: ClinVar variation 5002163 (VCV005002163.1).